The following is an entry in ClinVar:

NM_024675.4(PALB2):c.1234del (p.Thr412fs)

Gene: PALB2 (partner and localizer of BRCA2; minus strand). Cytogenetic location: 16p12.2.
Variant type: Deletion.
Coding change: c.1234del on transcript NM_024675.4 (MANE Select); coding-DNA position 1234, one base deleted (A; older notation c.1234delA).
Protein change: p.Thr412fs; shifts the reading frame from threonine 412.
Molecular consequence: frameshift variant.
Genome position (GRCh38, 1-based): chr16:23,635,312, T deleted on the plus strand (A on the coding strand, the reverse complement: PALB2 is on the minus strand); the first of 2 consecutive T bases (chr16:23,635,312-23,635,313); deleting either gives the same sequence. VCF-style (leftmost placement, unchanged base first): chr16-23635311-GT-G. GRCh37 (hg19) VCF-style: chr16-23646632-GT-G.
Other names: c.1234delA (NM_024675.3); c.1173delA, p.Thr392Glnfs (NM_001407296.1); c.1233delA, p.Thr412Glnfs (NM_001407297.1, NM_001407298.1, NM_001407299.1 and 3 more transcripts); c.348delA, p.Thr117Glnfs (NM_001407304.1, NM_001407305.1, NM_001407306.1 and 5 more transcripts); short protein forms T412fs.
Identifiers: ClinVar variation 1756427 (VCV001756427.8), dbSNP rs2506484387, ClinGen allele CA2580091297.

ClinVar aggregate classification (germline): Pathogenic. Review status: criteria provided, multiple submitters, no conflicts (2 of 4 stars). 2 submissions from 2 submitters: Pathogenic (2). Last evaluated 2025-11-04.

Conditions:
Hereditary cancer-predisposing syndrome. Also called: Neoplastic Syndromes, Hereditary; Tumor predisposition; Hereditary Cancer Syndrome; Hereditary neoplastic syndrome. Identifiers: Orphanet 140162, MedGen C0027672, MeSH D009386, MONDO:0015356.
Familial cancer of breast. Also called: BREAST CANCER, FAMILIAL; hereditary breast carcinoma; Hereditary breast cancer. Identifiers: Orphanet 227535, MedGen C0346153, MONDO:0016419, OMIM 114480. Disease mechanism: loss of function.

Submissions (2):

Ambry Genetics
Classification: Pathogenic for Hereditary cancer-predisposing syndrome. Last evaluated: 2025-11-04. Review status: criteria provided, single submitter. Criteria: Ambry Variant Classification Scheme 2023. Collection method: clinical testing. Allele origin: germline.
Comment: The c.1234delA pathogenic mutation, located in coding exon 4 of the PALB2 gene, results from a deletion of one nucleotide at nucleotide position 1234, causing a translational frameshift with a predicted alternate stop codon (p.T412Qfs*12). This variant is considered to be rare based on population cohorts in the Genome Aggregation Database (gnomAD).This alteration is expected to result in loss of function by premature protein truncation or nonsense-mediated mRNA decay. As such, this alteration is interpreted as a disease-causing mutation.

Labcorp Genetics (formerly Invitae), Labcorp
Classification: Pathogenic for Familial cancer of breast. Last evaluated: 2022-04-12. Review status: criteria provided, single submitter. Criteria: Invitae Variant Classification Sherloc (09022015). Collection method: clinical testing. Allele origin: germline.
Comment: This variant has not been reported in the literature in individuals affected with PALB2-related conditions. For these reasons, this variant has been classified as Pathogenic. This variant is not present in population databases (gnomAD no frequency). This sequence change creates a premature translational stop signal (p.Thr412Glnfs*12) in the PALB2 gene. It is expected to result in an absent or disrupted protein product. Loss-of-function variants in PALB2 are known to be pathogenic (PMID: 17200668, 17200671, 17200672, 24136930, 25099575).

Literature cited by the submitters: PubMed 17200668 (cited by Labcorp Genetics (formerly Invitae), Labcorp); PubMed 17200671 (cited by Labcorp Genetics (formerly Invitae), Labcorp); PubMed 17200672 (cited by Labcorp Genetics (formerly Invitae), Labcorp); PubMed 24136930 (cited by Labcorp Genetics (formerly Invitae), Labcorp); PubMed 25099575 (cited by Labcorp Genetics (formerly Invitae), Labcorp).